The following is an entry in ClinVar:

ClinVar aggregate classification (germline): Likely pathogenic. Review status: criteria provided, single submitter (1 of 4 stars). 3 submissions from 3 submitters: Likely pathogenic (1). 2 of the submissions do not count toward it. Last evaluated 2018-10-15.

Conditions:
Short-rib thoracic dysplasia 20 with polydactyly. Identifiers: MedGen C4693616, MONDO:0044328, OMIM 617925.
Short rib-polydactyly syndrome. Identifiers: Orphanet 1505, MedGen C0036996, MONDO:0015461.

Allele frequency attached by ClinVar (database versions not stated): gnomAD exomes below 0.00001; gnomAD 0.00003; TOPMed 0.00003.
gnomAD v4.1: 7 of 1,606,134 alleles (0.00044%); highest among the groups gnomAD compares: African/African-American, 0.0067%; no homozygotes.

Submissions (3):

SIB Swiss Institute of Bioinformatics
Classification: Likely pathogenic for Short-rib thoracic dysplasia 20 with polydactyly. Last evaluated: 2018-10-15. Review status: criteria provided, single submitter. Criteria: ACMG Guidelines, 2015. Collection method: curation. Allele origin: unknown.
Comment: This variant is interpreted as Likely Pathogenic, for Short-rib thoracic dysplasia 20 with polydactyly, autosomal recessive. The following ACMG Tag(s) were applied: PP3 => Multiple lines of computational evidence support a deleterious effect on the gene or gene product. PM2 => Absent from controls (or at extremely low frequency if recessive) in Exome Sequencing Project, 1000 Genomes Project, or Exome Aggregation Consortium. PS3 => Well-established functional studies show a deleterious effect(PubMed 27158779).

OMIM
Classification: Pathogenic for SHORT-RIB THORACIC DYSPLASIA 20 WITH POLYDACTYLY (1 patient). Last evaluated: 2018-03-30. Review status: no assertion criteria provided. Collection method: literature only. Allele origin: germline. Not counted in ClinVar's aggregate classification.

University of Washington Center for Mendelian Genomics, University of Washington
Classification: Likely pathogenic for Short Rib Polydactyly Syndrome. Last evaluated: 2016-05-09. Review status: no assertion criteria provided. Collection method: research. Allele origin: unknown. Affected: yes. Observed: 1 compound heterozygote. Not counted in ClinVar's aggregate classification.

Literature cited by the submitters: PubMed 27158779 (cited by 3 submitters).

NM_015693.4(INTU):c.1499A>C (p.Glu500Ala)

Gene: INTU (inturned planar cell polarity protein; plus strand). Cytogenetic location: 4q28.1.
Variant type: single nucleotide variant.
Coding change: c.1499A>C on transcript NM_015693.4 (MANE Select); coding-DNA position 1499, A replaced by C.
Protein change: p.Glu500Ala; replaces glutamic acid 500 with alanine.
Molecular consequence: missense variant.
Genome position (GRCh38, 1-based): chr4:127,700,059, A>C. VCF-style: chr4-127700059-A-C. GRCh37 (hg19) VCF-style: chr4-128621214-A-C.
Other names: short protein forms E500A.
Identifiers: ClinVar variation 504482 (VCV000504482.2), dbSNP rs1360128571, ClinGen allele CA358134059.